The following is an entry in ClinVar:

ClinVar aggregate classification (germline): Conflicting classifications of pathogenicity. Review status: criteria provided, conflicting classifications (1 of 4 stars). 2 submissions from 1 submitter: Likely pathogenic (1); Uncertain significance (1). Last evaluated 2020-11-25.

Conditions:
Abnormal cerebral morphology. Also called: Abnormality of the cerebrum. Identifiers: MedGen C4021762, HP:0002060.
Neurodevelopmental disorder with microcephaly, arthrogryposis, and structural brain anomalies. Identifiers: Orphanet 664923, MedGen C5231431, MONDO:0032838, OMIM 618622.

Submissions (2):

Equipe Genetique des Anomalies du Developpement, Université de Bourgogne
Classification: Uncertain significance for Neurodevelopmental disorder with microcephaly, arthrogryposis, and structural brain anomalies. Last evaluated: 2020-11-25. Review status: criteria provided, single submitter. Criteria: ACMG Guidelines, 2015. Collection method: research. Allele origin: biparental. Inheritance: Autosomal recessive inheritance. Affected: yes.
Comment: This variant was observed in compound heterozygosity with variant c.1291del

Equipe Genetique des Anomalies du Developpement, Université de Bourgogne
Classification: Likely pathogenic for Abnormal cerebral morphology. Review status: criteria provided, single submitter. Criteria: ACMG Guidelines, 2015. Collection method: clinical testing. Allele origin: paternal. Affected: yes.

NM_017951.5(SMPD4):c.1137CTT[1] (p.Phe380del)

Gene: SMPD4 (sphingomyelin phosphodiesterase 4; minus strand). Cytogenetic location: 2q21.1.
Variant type: Microsatellite.
Coding change: c.1137CTT[1] on transcript NM_017951.5 (MANE Select); one copy of the 3-base unit CTT starting at c.1137; the reference has two copies in a row; one copy, 3 bases deleted.
Protein change: p.Phe380del; deletes phenylalanine 380.
Molecular consequence: inframe deletion. On other transcripts: non-coding transcript variant (2).
Genome position (GRCh38, 1-based): chr2:130,156,631-130,156,633, AAG deleted on the plus strand (CTT on the coding strand, the reverse complement: SMPD4 is on the minus strand); deleting any 3 consecutive bases within chr2:130,156,631-130,156,637 gives the same sequence; the position shown is the placement nearest the transcript's 3' end. VCF-style (leftmost placement, unchanged base first): chr2-130156630-CAAG-C. GRCh37 (hg19) VCF-style: chr2-130914203-CAAG-C.
Other names: c.948CTT[1], p.Phe317del (NM_001171083.2); c.1167CTT[1], p.Phe390del (NM_017751.4); short protein forms F317del, F380del, F390del.
Identifiers: ClinVar variation 1172611 (VCV001172611.2), dbSNP rs1406657630, ClinGen allele CA756893742.